The following is an entry in ClinVar:

NM_032409.3(PINK1):c.1231G>A (p.Gly411Ser)

Genes: PINK1 (PTEN induced kinase 1; plus strand), PINK1-AS (PINK1 antisense RNA; minus strand). Cytogenetic location: 1p36.12.
Variant type: single nucleotide variant.
Coding change: c.1231G>A on transcript NM_032409.3 (MANE Select); coding-DNA position 1231, G replaced by A.
Protein change: p.Gly411Ser; replaces glycine 411 with serine.
Molecular consequence: missense variant. On other transcripts: non-coding transcript variant (1).
Genome position (GRCh38, 1-based): chr1:20,648,612, G>A. VCF-style: chr1-20648612-G-A. GRCh37 (hg19) VCF-style: chr1-20975105-G-A.
Other names: short protein forms G411S.
Identifiers: ClinVar variation 703421 (VCV000703421.64), dbSNP rs45478900, ClinGen allele CA660743.

ClinVar aggregate classification (germline): Conflicting classifications of pathogenicity. Review status: criteria provided, conflicting classifications (1 of 4 stars). 9 submissions from 9 submitters: Uncertain significance (1); Benign (1); Likely benign (3). 4 of the submissions do not count toward it. Last evaluated 2026-04-01.

Conditions:
PINK1-related disorder. Also called: PINK1-related condition.
Autosomal recessive early-onset Parkinson disease 6 (PARK6). Also called: PINK1 Type of Young-Onset Parkinson Disease; PINK1-Related Parkinson Disease; PARKINSON DISEASE 6, EARLY-ONSET; PARKINSON DISEASE 6, MODIFIER OF. Identifiers: Orphanet 2828, MedGen C1853833, MONDO:0011613, OMIM 605909.

Allele frequency attached by ClinVar (database versions not stated): 1000 Genomes Project 30x 0.00016; 1000 Genomes Project 0.00020; TOPMed 0.00061; ESP Exome Variant Server 0.00108; gnomAD exomes 0.00115 and 0.00178; gnomAD 0.00140 and 0.00146; ExAC 0.00200.
gnomAD v4.1: 1,879 of 1,613,978 alleles (0.12%); highest among the groups gnomAD compares: Non-Finnish European, 0.098%; 4 homozygotes.

Submissions (9):

CeGaT Center for Human Genetics Tuebingen
Classification: Likely benign. Last evaluated: 2026-04-01. Review status: criteria provided, single submitter. Criteria: CeGaT Center For Human Genetics Tuebingen Variant Classification Criteria Version 2. Collection method: clinical testing. Allele origin: germline. Affected: yes. Observed: 6 variant alleles.
Comment: PINK1: BP4

Women's Health and Genetics/Laboratory Corporation of America, LabCorp
Classification: Likely benign. Last evaluated: 2026-02-17. Review status: criteria provided, single submitter. Criteria: LabCorp Variant Classification Summary - May 2015. Collection method: clinical testing. Allele origin: germline.
Comment: Variant summary: PINK1 c.1231G>A (p.Gly411Ser) results in a non-conservative amino acid change located in the Protein kinase domain (IPR000719) of the encoded protein sequence. Algorithms developed to predict the effect of missense changes on protein structure and function are either unavailable or do not agree on the potential impact of this missense change. The variant allele was found at a frequency of 0.0018 in 251026 control chromosomes, predominantly at a frequency of 0.0019 within the Finnish subpopulation in the gnomAD database, including 1 homozygotes. This frequency is not significantly higher than estimated for disease-causing variants in PINK1, allowing no conclusion about variant significance. c.1231G>A has been reported in the literature in heterozygous individuals affected with Parkinson Disease. However, it has also been reported in healthy controls and does not segregate with disease in families (e.g. Abou-Sleiman_2006, Benitez_2016, Milanowski_2021, Krohn_2020, Toft_2007, Puschmann_2017, Muldmaa_2021). These report(s) do not provide unequivocal conclusions about association of the variant with Autosomal Recessive Early-Onset Parkinson Disease 6. At least one publication reports experimental evidence evaluating an impact on protein function. The most pronounced variant effect results in reduced Ub substrate phosphorylation, but no impact on Parkin recruitment to mitochondria (Narendra_2013, Fiesel_2023). The following publications have been ascertained in the context of this evaluation (PMID: 16969854, 27094865, 36469690, 32249012, 33845304, 32740907, 23459931, 27807026, 17172567). ClinVar contains an entry for this variant (Variation ID: 703421). Based on the evidence outlined above, the variant was classified as likely benign.

Labcorp Genetics (formerly Invitae), Labcorp
Classification: Benign for Autosomal recessive early-onset Parkinson disease 6. Last evaluated: 2026-01-05. Review status: criteria provided, single submitter. Criteria: Invitae Variant Classification Sherloc (09022015). Collection method: clinical testing. Allele origin: germline.

GeneDx
Classification: Likely benign. Last evaluated: 2020-09-10. Review status: criteria provided, single submitter. Criteria: GeneDx Variant Classification Process June 2021. Collection method: clinical testing. Allele origin: germline. Affected: yes.
Comment: See Variant Classification Assertion Criteria.

Illumina Laboratory Services, Illumina
Classification: Uncertain significance for Autosomal recessive early-onset Parkinson disease 6. Last evaluated: 2017-04-28. Review status: criteria provided, single submitter. Criteria: ICSL Variant Classification Criteria 13 December 2019. Collection method: clinical testing. Allele origin: germline.
Comment: This variant was observed as part of a predisposition screen in an ostensibly healthy population. A literature search was performed for the gene, cDNA change, and amino acid change (where applicable). Publications were found based on this search. However, the evidence from the literature, in combination with allele frequency data from public databases where available, was not sufficient to rule this variant in or out of causing disease. Therefore, this variant is classified as a variant of unknown significance.

PreventionGenetics, part of Exact Sciences
Classification: Likely benign for PINK1-related condition. Last evaluated: 2024-03-01. Review status: no assertion criteria provided. Collection method: clinical testing. Allele origin: germline. Not counted in ClinVar's aggregate classification.
Comment: This variant is classified as likely benign based on ACMG/AMP sequence variant interpretation guidelines (Richards et al. 2015 PMID: 25741868, with internal and published modifications).

Clinical Genetics DNA and cytogenetics Diagnostics Lab, Erasmus MC, Erasmus Medical Center
Classification: Likely benign. Review status: no assertion criteria provided. Collection method: clinical testing. Allele origin: germline. Affected: yes. Study: VKGL Data-share Consensus. Not counted in ClinVar's aggregate classification.

Diagnostic Laboratory, Department of Genetics, University Medical Center Groningen
Classification: Likely benign. Review status: no assertion criteria provided. Collection method: clinical testing. Allele origin: germline. Affected: yes. Study: VKGL Data-share Consensus. Not counted in ClinVar's aggregate classification.

GeneReviews
No classification provided. Condition: Autosomal recessive early-onset Parkinson disease 6. Review status: no classification provided. Collection method: literature only. Allele origin: germline. Not counted in ClinVar's aggregate classification.

Literature cited by the submitters: PubMed 27094865 (cited by Women's Health and Genetics/Laboratory Corporation of America, LabCorp); PubMed 33845304 (cited by Women's Health and Genetics/Laboratory Corporation of America, LabCorp); PubMed 32740907 (cited by Women's Health and Genetics/Laboratory Corporation of America, LabCorp); PubMed 16969854 (cited by Women's Health and Genetics/Laboratory Corporation of America, LabCorp and Illumina Laboratory Services, Illumina); PubMed 36469690 (cited by Women's Health and Genetics/Laboratory Corporation of America, LabCorp); PubMed 32249012 (cited by Women's Health and Genetics/Laboratory Corporation of America, LabCorp); PubMed 23459931 (cited by Women's Health and Genetics/Laboratory Corporation of America, LabCorp); PubMed 27807026 (cited by Women's Health and Genetics/Laboratory Corporation of America, LabCorp); PubMed 17172567 (cited by Women's Health and Genetics/Laboratory Corporation of America, LabCorp and Illumina Laboratory Services, Illumina); PubMed 18486522 (cited by Illumina Laboratory Services, Illumina); PubMed 16805805 (cited by Illumina Laboratory Services, Illumina); PubMed 20126261 (cited by Illumina Laboratory Services, Illumina); PubMed 16547921 (cited by Illumina Laboratory Services, Illumina); PubMed 23986421 (cited by Illumina Laboratory Services, Illumina); PubMed 2345993 (cited by Illumina Laboratory Services, Illumina).